The following is an entry in ClinVar:

NC_000015.9:g.(?_55710213)_(55742585_?)dup

Genes: DNAAF4 (dynein axonemal assembly factor 4; minus strand), PIERCE2 (piercer of microtubule wall 2; plus strand). Cytogenetic location: 15q21.3.
Variant type: Duplication.
Identifiers: ClinVar variation 1011943 (VCV001011943.1).

ClinVar aggregate classification (germline): Uncertain significance (1 of 4 stars; one submission).

Submission:

Labcorp Genetics (formerly Invitae), Labcorp
Classification: Uncertain significance. Last evaluated: 2020-10-19. Review status: criteria provided, single submitter. Criteria: Invitae Variant Classification Sherloc (09022015). Collection method: clinical testing. Allele origin: germline.
Comment: This variant results in a copy number gain of the genomic region encompassing exon(s) 6-10 of the DNAAF4 gene. The 5' boundary is likely confined to intron 5. The 3' end of this event is unknown as it extends beyond the assayed region for this gene and therefore may encompass additional genes. As the precise location of this event is unknown, it may be in tandem or it may be located elsewhere in the genome. This variant has not been reported in the literature in individuals with DNAAF4-related conditions. In summary, the available evidence is currently insufficient to determine the role of this variant in disease. Therefore, it has been classified as a Variant of Uncertain Significance.